The following is an entry in ClinVar:

NM_020831.6(MRTFA):c.2654C>A (p.Ser885Tyr)

Gene: MRTFA (myocardin related transcription factor A; minus strand). Cytogenetic location: 22q13.1.
Variant type: single nucleotide variant.
Coding change: c.2654C>A on transcript NM_020831.6 (MANE Select); coding-DNA position 2654, C replaced by A.
Protein change: p.Ser885Tyr; replaces serine 885 with tyrosine.
Molecular consequence: missense variant. On other transcripts: synonymous variant (1).
Genome position (GRCh38, 1-based): chr22:40,411,832, G>T on the plus strand (C>A on the coding strand, the complement: MRTFA is on the minus strand). VCF-style: chr22-40411832-G-T. GRCh37 (hg19) VCF-style: chr22-40807836-G-T.
Other names: c.2354C>A, p.Ser785Tyr (NM_001282660.2); c.2504C>A, p.Ser835Tyr (NM_001282661.3); c.2664C>A, p.Val888= (NM_001282662.3); c.2459C>A, p.Ser820Tyr (NM_001318139.2); short protein forms S785Y, S820Y, S835Y, S885Y.
Identifiers: ClinVar variation 3606691 (VCV003606691.2).
Genomic context (GRCh38, chr22:40,411,832, plus strand): 5'-GGAGGAGGTGGGGCAGCCTGGGGGAGCTCAGCAGAAGGTGATGGCTGTGCTGCCAGGGGG[G>T]ACCCACAGACTGTCTTCGGGGATGGCTTCTCCTTCCCTGGCAGGGATGGCGGCTCCTTGA-3'
Protein context (NP_065882.2, residues 875-895): EKPSPKTVCG[Ser885Tyr]PLAAQPSPSA

ClinVar aggregate classification (germline): Uncertain significance (1 of 4 stars; one submission).

gnomAD v4.1: 2 of 1,508,834 alleles (0.00013%); highest among the groups gnomAD compares: Non-Finnish European, 0.00018%; no homozygotes.

Submission:

Labcorp Genetics (formerly Invitae), Labcorp
Classification: Uncertain significance. Last evaluated: 2024-04-15. Review status: criteria provided, single submitter. Criteria: Invitae Variant Classification Sherloc (09022015). Collection method: clinical testing. Allele origin: germline.
Comment: This sequence change replaces serine, which is neutral and polar, with tyrosine, which is neutral and polar, at codon 785 of the MKL1 protein (p.Ser785Tyr). The frequency data for this variant in the population databases is considered unreliable, as metrics indicate poor data quality at this position in the gnomAD database. This variant has not been reported in the literature in individuals affected with MKL1-related conditions. An algorithm developed to predict the effect of missense changes on protein structure and function (PolyPhen-2) suggests that this variant is likely to be disruptive. In summary, the available evidence is currently insufficient to determine the role of this variant in disease. Therefore, it has been classified as a Variant of Uncertain Significance.